The following is an entry in ClinVar:

NM_004793.4(LONP1):c.1612C>T (p.Arg538Cys)

Gene: LONP1 (lon peptidase 1, mitochondrial; minus strand). Cytogenetic location: 19p13.3.
Variant type: single nucleotide variant.
Coding change: c.1612C>T on transcript NM_004793.4 (MANE Select); coding-DNA position 1612, C replaced by T.
Protein change: p.Arg538Cys; replaces arginine 538 with cysteine.
Molecular consequence: missense variant. On other transcripts: non-coding transcript variant (1).
Genome position (GRCh38, 1-based): chr19:5,699,100, G>A on the plus strand (C>T on the coding strand, the complement: LONP1 is on the minus strand). VCF-style: chr19-5699100-G-A. GRCh37 (hg19) VCF-style: chr19-5699111-G-A.
Other names: c.1420C>T, p.Arg474Cys (NM_001276479.2); c.1024C>T, p.Arg342Cys (NM_001276480.1); short protein forms R342C, R474C, R538C.
Identifiers: ClinVar variation 1191443 (VCV001191443.17), dbSNP rs201664019, ClinGen allele CA9114610.

ClinVar aggregate classification (germline): Conflicting classifications of pathogenicity. Review status: criteria provided, conflicting classifications (1 of 4 stars). 5 submissions from 5 submitters: Likely pathogenic (1); Uncertain significance (3); Benign (1). Last evaluated 2026-01-27.

Conditions:
CODAS syndrome. Also called: CEREBRAL, OCULAR, DENTAL, AURICULAR, AND SKELETAL ANOMALIES SYNDROME. Identifiers: Orphanet 1458, MedGen C1838180, MONDO:0010879, OMIM 600373.

Allele frequency attached by ClinVar (database versions not stated): ESP Exome Variant Server 0.00015; gnomAD 0.00017 and 0.00020; TOPMed 0.00020; gnomAD exomes 0.00027 and 0.00033; 1000 Genomes Project 30x 0.00031; ExAC 0.00038; 1000 Genomes Project 0.00040.

Submissions (5):

Labcorp Genetics (formerly Invitae), Labcorp
Classification: Benign. Last evaluated: 2026-01-27. Review status: criteria provided, single submitter. Criteria: Invitae Variant Classification Sherloc (09022015). Collection method: clinical testing. Allele origin: germline.

Genomic Medicine Center of Excellence, King Faisal Specialist Hospital and Research Centre
Classification: Uncertain significance for CODAS syndrome. Last evaluated: 2024-03-17. Review status: criteria provided, single submitter. Criteria: ACMG Guidelines, 2015. Collection method: research. Allele origin: germline.

GeneDx
Classification: Likely pathogenic. Last evaluated: 2023-11-30. Review status: criteria provided, single submitter. Criteria: GeneDx Variant Classification Process June 2021. Collection method: clinical testing. Allele origin: germline. Affected: yes.
Comment: In silico analysis supports that this missense variant has a deleterious effect on protein structure/function; This variant is associated with the following publications: (PMID: 29408517, 34426522, 27878435, 34974310)

Women's Health and Genetics/Laboratory Corporation of America, LabCorp
Classification: Uncertain significance. Last evaluated: 2023-06-15. Review status: criteria provided, single submitter. Criteria: LabCorp Variant Classification Summary - May 2015. Collection method: clinical testing. Allele origin: germline.
Comment: Variant summary: LONP1 c.1612C>T (p.Arg538Cys) results in a non-conservative amino acid change located in the AAA-type ATPase domain (IPR003593) of the encoded protein sequence. Five of five in-silico tools predict a damaging effect of the variant on protein function. The variant allele was found at a frequency of 0.00033 in 245074 control chromosomes in the gnomAD database, including 1 homozygote. c.1612C>T has been reported in the literature in an individual affected with partial features of CODAS Syndrome (example: Patel_2017). To our knowledge, no experimental evidence demonstrating an impact on protein function has been reported. The following publications have been ascertained in the context of this evaluation (PMID: 29408517, 27878435). Three clinical diagnostic laboratories have submitted clinical-significance assessments for this variant to ClinVar after 2014 without evidence for independent evaluation, and conflict classifications including one likely pathogenic, one benign and one uncertain significance have been reported. Based on the evidence outlined above, the variant was classified as VUS.

Centre of Medical Genetics, University Hospital Muenster
Classification: Uncertain significance. Last evaluated: 2022-11-07. Review status: criteria provided, single submitter. Criteria: ACMG Guidelines, 2015. Collection method: clinical testing. Allele origin: unknown. Affected: yes. Observed: 1 variant allele, 1 homozygote.
Comment: ACMG categories: PM1,PM2,BP3

Literature cited by the submitters: PubMed 27878435 (cited by Women's Health and Genetics/Laboratory Corporation of America, LabCorp); PubMed 29408517 (cited by Women's Health and Genetics/Laboratory Corporation of America, LabCorp).